The following is an entry in ClinVar:

NM_001101362.3(KBTBD13):c.320C>G (p.Ala107Gly)

Gene: KBTBD13 (kelch repeat and BTB domain containing 13; plus strand). Cytogenetic location: 15q22.31.
Variant type: single nucleotide variant.
Coding change: c.320C>G on transcript NM_001101362.3 (MANE Select); coding-DNA position 320, C replaced by G.
Protein change: p.Ala107Gly; replaces alanine 107 with glycine.
Molecular consequence: missense variant.
Genome position (GRCh38, 1-based): chr15:65,077,135, C>G. VCF-style: chr15-65077135-C-G. GRCh37 (hg19) VCF-style: chr15-65369473-C-G.
Other names: short protein forms A107G.
Identifiers: ClinVar variation 836361 (VCV000836361.9), dbSNP rs1264692363, ClinGen allele CA392859778.
Genomic context (GRCh38, chr15:65,077,135, plus strand): 5'-TCCTCCAGGCGCCGGCGCTGGCTCGCTTTCTGGAGCACAACCTCACGTCGGACAACTGCG[C>G]ATTGCTGTGCGACGCGGCCGCCGCCTTCGGCCTGCGCGACGTGTTCCACAGTGCCGCGCT-3'
Protein context (NP_001094832.1, residues 97-117): LEHNLTSDNC[Ala107Gly]LLCDAAAAFG

ClinVar aggregate classification (germline): Uncertain significance (1 of 4 stars; one submission).

Conditions:
Nemaline myopathy 6 (NEM6). Also called: Nemaline myopathy 6, autosomal dominant. Identifiers: Orphanet 171439, MedGen C1836472, MONDO:0012237, OMIM 609273.

Allele frequency attached by ClinVar (database versions not stated): TOPMed below 0.00001; gnomAD exomes 0.00001.

Submission:

Labcorp Genetics (formerly Invitae), Labcorp
Classification: Uncertain significance for Nemaline myopathy 6. Last evaluated: 2021-06-16. Review status: criteria provided, single submitter. Criteria: Invitae Variant Classification Sherloc (09022015). Collection method: clinical testing. Allele origin: germline.
Comment: In summary, the available evidence is currently insufficient to determine the role of this variant in disease. Therefore, it has been classified as a Variant of Uncertain Significance. Algorithms developed to predict the effect of missense changes on protein structure and function are either unavailable or do not agree on the potential impact of this missense change (SIFT: "Deleterious"; PolyPhen-2: "Benign"; Align-GVGD: "Class C0"). This variant has not been reported in the literature in individuals with KBTBD13-related conditions. The frequency data for this variant in the population databases is considered unreliable, as metrics indicate insufficient coverage at this position in the ExAC database. This sequence change replaces alanine with glycine at codon 107 of the KBTBD13 protein (p.Ala107Gly). The alanine residue is weakly conserved and there is a small physicochemical difference between alanine and glycine.